The following is an entry in ClinVar:

ClinVar aggregate classification (germline): Uncertain significance (1 of 4 stars; one submission).

Conditions:
Primary ciliary dyskinesia. Also called: Ciliary dyskinesia. Identifiers: Orphanet 244, MedGen C0008780, MONDO:0016575, HP:0012265.

gnomAD v4.1: 1 of 1,613,982 alleles (0.000062%); highest among the groups gnomAD compares: Non-Finnish European, 0.000085%; no homozygotes.

Submission:

Ambry Genetics
Classification: Uncertain significance for Primary ciliary dyskinesia. Last evaluated: 2025-01-13. Review status: criteria provided, single submitter. Criteria: Ambry Variant Classification Scheme 2023. Collection method: clinical testing. Allele origin: germline.
Comment: The p.R2795G variant (also known as c.8383C>G), located in coding exon 50 of the DNAH5 gene, results from a C to G substitution at nucleotide position 8383. The arginine at codon 2795 is replaced by glycine, an amino acid with dissimilar properties. This amino acid position is conserved. In addition, this alteration is predicted to be deleterious by in silico analysis. Based on the available evidence, the clinical significance of this variant remains unclear.

NM_001369.3(DNAH5):c.8383C>G (p.Arg2795Gly)

Gene: DNAH5 (dynein axonemal heavy chain 5; minus strand). Cytogenetic location: 5p15.2.
Variant type: single nucleotide variant.
Coding change: c.8383C>G on transcript NM_001369.3 (MANE Select); coding-DNA position 8383, C replaced by G.
Protein change: p.Arg2795Gly; replaces arginine 2795 with glycine.
Molecular consequence: missense variant.
Genome position (GRCh38, 1-based): chr5:13,792,059, G>C on the plus strand (C>G on the coding strand, the complement: DNAH5 is on the minus strand). VCF-style: chr5-13792059-G-C. GRCh37 (hg19) VCF-style: chr5-13792168-G-C.
Other names: short protein forms R2795G.
Identifiers: ClinVar variation 3841162 (VCV003841162.1).